The following is an entry in ClinVar:

NM_001378615.1(CC2D2A):c.4460G>A (p.Arg1487His)

Genes: CC2D2A (coiled-coil and C2 domain containing 2A; plus strand), FBXL5 (F-box and leucine rich repeat protein 5; minus strand). Cytogenetic location: 4p15.32.
Variant type: single nucleotide variant.
Coding change: c.4460G>A on transcript NM_001378615.1 (MANE Select); coding-DNA position 4460, G replaced by A.
Protein change: p.Arg1487His; replaces arginine 1487 with histidine.
Molecular consequence: missense variant.
Genome position (GRCh38, 1-based): chr4:15,597,429, G>A. VCF-style: chr4-15597429-G-A. GRCh37 (hg19) VCF-style: chr4-15599052-G-A.
Other names: c.4460G>A, p.Arg1487His (NM_001080522.2); c.4313G>A, p.Arg1438His (NM_001378617.1); short protein forms R1487H, R1438H.
Identifiers: ClinVar variation 596313 (VCV000596313.13), dbSNP rs971832306, ClinGen allele CA92535035.
Genomic context (GRCh38, chr4:15,597,429, plus strand): 5'-TGATTTTTATACTTTCTGAACTATTTTCTCTTCTATAGCCTGAAGAGCTAATTTACCAGC[G>A]CTCAGACAAAGCAGCTGCAGCTGAGCTACAAGACAGGTAACATAACATCCATAAATCCAC-3'
Protein context (NP_001365544.1, residues 1477-1497): SVQPEELIYQ[Arg1487His]SDKAAAAELQ

ClinVar aggregate classification (germline): Uncertain significance. Review status: criteria provided, multiple submitters, no conflicts (2 of 4 stars). 5 submissions from 5 submitters: Uncertain significance (5). Last evaluated 2026-03-11.

Conditions:
Meckel-Gruber syndrome. Also called: Dysencephalia splachnocystica; DYSENCEPHALIA SPLANCHNOCYSTICA; GRUBER SYNDROME. Identifiers: Orphanet 564, MedGen C0265215, MONDO:0018921.
Joubert syndrome. Also called: Familial aplasia of the vermis; JOUBERT-BOLTSHAUSER SYNDROME. Identifiers: Orphanet 475, MedGen C5979921, MONDO:0018772.
Joubert syndrome 9 (JBTS9). Identifiers: Orphanet 2318, MedGen C2676788, MONDO:0012849, OMIM 612285.
Meckel syndrome, type 6. Identifiers: Orphanet 564, MedGen C2676790, MONDO:0012848, OMIM 612284.
Retinitis pigmentosa 93. Identifiers: MedGen C5676970, MONDO:0030797, OMIM 619845.
COACH syndrome 2. Identifiers: MedGen C5436837, MONDO:0030859, OMIM 619111.
Inborn genetic diseases. Identifiers: MedGen C0950123, MeSH D030342.
CC2D2A-related disorder. Also called: CC2D2A-related disorders; CC2D2A-related condition. Identifiers: MedGen CN239313.

Allele frequency attached by ClinVar (database versions not stated): gnomAD exomes 0.00004; gnomAD 0.00005 and 0.00006; TOPMed 0.00009.
gnomAD v4.1: 65 of 1,552,668 alleles (0.0042%); highest among the groups gnomAD compares: Admixed American, 0.0098%; no homozygotes.

Submissions (5):

PreventionGenetics, part of Exact Sciences
Classification: Uncertain significance for CC2D2A-related condition. Last evaluated: 2026-03-11. Review status: criteria provided, single submitter. Criteria: ACMG Guidelines, 2015. Collection method: clinical testing. Allele origin: germline.
Comment: The CC2D2A c.4460G>A variant is predicted to result in the amino acid substitution p.Arg1487His. To our knowledge, this variant has not been reported in the literature. This variant is reported in 0.012% of alleles in individuals of African descent in gnomAD. At this time, the clinical significance of this variant is uncertain due to the absence of conclusive functional and genetic evidence.

Fulgent Genetics
Classification: Uncertain significance for Meckel syndrome, type 6; Joubert syndrome 9; COACH syndrome 2; Retinitis pigmentosa 93. Last evaluated: 2024-04-01. Review status: criteria provided, single submitter. Criteria: ACMG Guidelines, 2015. Collection method: clinical testing. Allele origin: germline.

Labcorp Genetics (formerly Invitae), Labcorp
Classification: Uncertain significance for Joubert syndrome; Meckel-Gruber syndrome. Last evaluated: 2024-01-22. Review status: criteria provided, single submitter. Criteria: Invitae Variant Classification Sherloc (09022015). Collection method: clinical testing. Allele origin: germline.
Comment: This sequence change replaces arginine, which is basic and polar, with histidine, which is basic and polar, at codon 1487 of the CC2D2A protein (p.Arg1487His). The frequency data for this variant in the population databases is considered unreliable, as metrics indicate poor data quality at this position in the gnomAD database. This variant has not been reported in the literature in individuals affected with CC2D2A-related conditions. ClinVar contains an entry for this variant (Variation ID: 596313). Advanced modeling of protein sequence and biophysical properties (such as structural, functional, and spatial information, amino acid conservation, physicochemical variation, residue mobility, and thermodynamic stability) performed at Invitae indicates that this missense variant is not expected to disrupt CC2D2A protein function with a negative predictive value of 95%. In summary, the available evidence is currently insufficient to determine the role of this variant in disease. Therefore, it has been classified as a Variant of Uncertain Significance.

Ambry Genetics
Classification: Uncertain significance for Inborn genetic diseases. Last evaluated: 2023-11-06. Review status: criteria provided, single submitter. Criteria: Ambry Variant Classification Scheme 2023. Collection method: clinical testing. Allele origin: germline.

Eurofins Ntd Llc (ga)
Classification: Uncertain significance. Last evaluated: 2018-03-02. Review status: criteria provided, single submitter. Criteria: EGL ClinVar v180209 classification definitions. Collection method: clinical testing. Allele origin: germline. Observed: 1 variant allele, 1 heterozygote.